The following is an entry in ClinVar:

ClinVar aggregate classification (germline): Benign/Likely benign. Review status: criteria provided, multiple submitters, no conflicts (2 of 4 stars). 2 submissions from 2 submitters: Benign (1); Likely benign (1). Last evaluated 2024-11-12.

Conditions:
Hereditary cancer-predisposing syndrome. Also called: Neoplastic Syndromes, Hereditary; Hereditary Cancer Syndrome; Tumor predisposition; Hereditary neoplastic syndrome. Identifiers: Orphanet 140162, MedGen C0027672, MeSH D009386, MONDO:0015356.
Papillary renal cell carcinoma type 1 (RCCP1). Also called: RENAL CELL CARCINOMA, PAPILLARY, 1, SOMATIC; Renal adenocarcinoma; Renal cell carcinoma 1; Renal cell carcinoma, somatic. Identifiers: Orphanet 47044, MedGen C1336839, OMIM 605074, HP:0011797.

gnomAD v4.1: 1 of 1,613,724 alleles (0.000062%); highest among the groups gnomAD compares: Non-Finnish European, 0.000085%; no homozygotes.

Submissions (2):

Myriad Genetics, Inc.
Classification: Benign for Papillary renal cell carcinoma type 1. Last evaluated: 2024-11-12. Review status: criteria provided, single submitter. Criteria: Myriad Autosomal Dominant, Autosomal Recessive and X-Linked Classification Criteria (2023). Collection method: clinical testing. Allele origin: unknown.
Comment: This variant is considered benign. This variant is a silent/synonymous amino acid change and it is not expected to impact splicing.

Ambry Genetics
Classification: Likely benign for Hereditary cancer-predisposing syndrome. Last evaluated: 2022-12-15. Review status: criteria provided, single submitter. Criteria: Ambry Variant Classification Scheme 2023. Collection method: clinical testing. Allele origin: germline.

NM_000245.4(MET):c.2700G>A (p.Leu900=)

Gene: MET (MET proto-oncogene, receptor tyrosine kinase; plus strand). Cytogenetic location: 7q31.2.
Variant type: single nucleotide variant.
Coding change: c.2700G>A on transcript NM_000245.4 (MANE Select); coding-DNA position 2700, G replaced by A.
Protein change: p.Leu900=; no amino-acid change (leucine 900 retained).
Molecular consequence: synonymous variant.
Genome position (GRCh38, 1-based): chr7:116,769,761, G>A. VCF-style: chr7-116769761-G-A. GRCh37 (hg19) VCF-style: chr7-116409815-G-A.
Other names: c.2754G>A, p.Leu918= (NM_001127500.3); c.2700G>A, p.Leu900= (NM_001324401.3); c.1410G>A, p.Leu470= (NM_001324402.2).
Identifiers: ClinVar variation 2447328 (VCV002447328.3), dbSNP rs921308683, ClinGen allele CA457441766.